The following is an entry in ClinVar:

NM_001135022.2(ELMOD3):c.779T>A (p.Ile260Asn)

Gene: ELMOD3 (ELMO domain containing 3; plus strand). Cytogenetic location: 2p11.2.
Variant type: single nucleotide variant.
Coding change: c.779T>A on transcript NM_001135022.2 (MANE Select); coding-DNA position 779, T replaced by A.
Protein change: p.Ile260Asn; replaces isoleucine 260 with asparagine.
Molecular consequence: missense variant. On other transcripts: non-coding transcript variant (3).
Genome position (GRCh38, 1-based): chr2:85,389,791, T>A. VCF-style: chr2-85389791-T-A. GRCh37 (hg19) VCF-style: chr2-85616914-T-A.
Other names: c.779T>A, p.Ile260Asn (NM_001135021.2, NM_001135023.2, NM_001329791.2 and 3 more transcripts); short protein forms I260N.
Identifiers: ClinVar variation 2024818 (VCV002024818.4), dbSNP rs2529146296, ClinGen allele CA347455937.

ClinVar aggregate classification (germline): Uncertain significance (1 of 4 stars; one submission).

Submission:

Labcorp Genetics (formerly Invitae), Labcorp
Classification: Uncertain significance. Last evaluated: 2022-10-27. Review status: criteria provided, single submitter. Criteria: Invitae Variant Classification Sherloc (09022015). Collection method: clinical testing. Allele origin: germline.
Comment: In summary, the available evidence is currently insufficient to determine the role of this variant in disease. Therefore, it has been classified as a Variant of Uncertain Significance. Advanced modeling of protein sequence and biophysical properties (such as structural, functional, and spatial information, amino acid conservation, physicochemical variation, residue mobility, and thermodynamic stability) has been performed at Invitae for this missense variant, however the output from this modeling did not meet the statistical confidence thresholds required to predict the impact of this variant on ELMOD3 protein function. This variant has not been reported in the literature in individuals affected with ELMOD3-related conditions. This variant is not present in population databases (gnomAD no frequency). This sequence change replaces isoleucine, which is neutral and non-polar, with asparagine, which is neutral and polar, at codon 260 of the ELMOD3 protein (p.Ile260Asn).